The following is an entry in ClinVar:

NM_000057.4(BLM):c.2732A>T (p.Asp911Val)

Gene: BLM (BLM RecQ like helicase; plus strand). Cytogenetic location: 15q26.1.
Variant type: single nucleotide variant.
Coding change: c.2732A>T on transcript NM_000057.4 (MANE Select); coding-DNA position 2732, A replaced by T.
Protein change: p.Asp911Val; replaces aspartic acid 911 with valine.
Molecular consequence: missense variant.
Genome position (GRCh38, 1-based): chr15:90,784,990, A>T. VCF-style: chr15-90784990-A-T. GRCh37 (hg19) VCF-style: chr15-91328220-A-T.
Other names: c.2732A>T, p.Asp911Val (NM_001287246.2, NM_001287247.2); c.1607A>T, p.Asp536Val (NM_001287248.2); short protein forms D911V, D536V.
Identifiers: ClinVar variation 821731 (VCV000821731.15), dbSNP rs1596252149, ClinGen allele CA393845993.

ClinVar aggregate classification (germline): Uncertain significance. Review status: criteria provided, multiple submitters, no conflicts (2 of 4 stars). 4 submissions from 4 submitters: Uncertain significance (3). 1 of the submissions does not count toward it. Last evaluated 2025-03-12.

Conditions:
Bloom syndrome (BLM). Also called: Bloom-Torre-Machacek syndrome. Identifiers: Orphanet 125, MedGen C0005859, MONDO:0008876, OMIM 210900.
Hereditary cancer-predisposing syndrome. Also called: Tumor predisposition; Hereditary Cancer Syndrome; Neoplastic Syndromes, Hereditary; Hereditary neoplastic syndrome. Identifiers: Orphanet 140162, MedGen C0027672, MeSH D009386, MONDO:0015356.

Submissions (4):

Ambry Genetics
Classification: Uncertain significance for Hereditary cancer-predisposing syndrome. Last evaluated: 2025-03-12. Review status: criteria provided, single submitter. Criteria: Ambry Variant Classification Scheme 2023. Collection method: clinical testing. Allele origin: germline.
Comment: The p.D911V variant (also known as c.2732A>T), located in coding exon 13 of the BLM gene, results from an A to T substitution at nucleotide position 2732. The aspartic acid at codon 911 is replaced by valine, an amino acid with highly dissimilar properties. This amino acid position is not well conserved in available vertebrate species. In addition, this alteration is predicted to be tolerated by in silico analysis. Since supporting evidence is limited at this time, the clinical significance of this alteration remains unclear.

Labcorp Genetics (formerly Invitae), Labcorp
Classification: Uncertain significance for Bloom syndrome. Last evaluated: 2024-06-30. Review status: criteria provided, single submitter. Criteria: Invitae Variant Classification Sherloc (09022015). Collection method: clinical testing. Allele origin: germline.
Comment: This sequence change replaces aspartic acid, which is acidic and polar, with valine, which is neutral and non-polar, at codon 911 of the BLM protein (p.Asp911Val). This variant is not present in population databases (gnomAD no frequency). This variant has not been reported in the literature in individuals affected with BLM-related conditions. ClinVar contains an entry for this variant (Variation ID: 821731). Advanced modeling of protein sequence and biophysical properties (such as structural, functional, and spatial information, amino acid conservation, physicochemical variation, residue mobility, and thermodynamic stability) performed at Invitae indicates that this missense variant is not expected to disrupt BLM protein function with a negative predictive value of 80%. In summary, the available evidence is currently insufficient to determine the role of this variant in disease. Therefore, it has been classified as a Variant of Uncertain Significance.

GeneDx
Classification: Uncertain significance. Last evaluated: 2022-01-05. Review status: criteria provided, single submitter. Criteria: GeneDx Variant Classification Process June 2021. Collection method: clinical testing. Allele origin: germline. Affected: yes.
Comment: Not observed at significant frequency in large population cohorts (gnomAD); In silico analysis supports that this missense variant has a deleterious effect on protein structure/function; Has not been previously published as pathogenic or benign to our knowledge

Natera, Inc.
Classification: Uncertain significance for Bloom syndrome. Last evaluated: 2020-07-14. Review status: no assertion criteria provided. Collection method: clinical testing. Allele origin: germline. Not counted in ClinVar's aggregate classification.